The following is an entry in ClinVar:

ClinVar aggregate classification (germline): Likely benign (0 of 4 stars; one submission).

Conditions:
TIAM1-related disorder. Also called: TIAM1-related condition.

Allele frequency attached by ClinVar (database versions not stated): 1000 Genomes Project 0.00140; ESP Exome Variant Server 0.00177; 1000 Genomes Project 30x 0.00203.
gnomAD v4.1: 617 of 1,613,916 alleles (0.038%); highest among the groups gnomAD compares: Middle Eastern, 0.46%; 3 homozygotes.

Submission:

PreventionGenetics, part of Exact Sciences
Classification: Likely benign for TIAM1-related condition. Last evaluated: 2022-09-08. Review status: no assertion criteria provided. Collection method: clinical testing. Allele origin: germline.
Comment: This variant is classified as likely benign based on ACMG/AMP sequence variant interpretation guidelines (Richards et al. 2015 PMID: 25741868, with internal and published modifications).

NM_001353694.2(TIAM1):c.3020G>A (p.Arg1007His)

Gene: TIAM1 (TIAM Rac1 associated GEF 1; minus strand). Cytogenetic location: 21q22.11.
Variant type: single nucleotide variant.
Coding change: c.3020G>A on transcript NM_001353694.2 (MANE Select); coding-DNA position 3020, G replaced by A.
Protein change: p.Arg1007His; replaces arginine 1007 with histidine.
Molecular consequence: missense variant. On other transcripts: intron variant (2).
Genome position (GRCh38, 1-based): chr21:31,154,398, C>T on the plus strand (G>A on the coding strand, the complement: TIAM1 is on the minus strand). VCF-style: chr21-31154398-C-T. GRCh37 (hg19) VCF-style: chr21-32526716-C-T.
Other names: c.119G>A, p.Arg40His (NM_001353684.2); c.2945G>A, p.Arg982His (NM_001353687.2); c.3020G>A, p.Arg1007His (NM_001353688.1, NM_001353689.1, NM_001353690.1 and 4 more transcripts); c.2992-47G>A (NM_001353686.2); c.91-47G>A (NM_001353685.2); short protein forms R1007H, R40H, R982H.
Identifiers: ClinVar variation 3034532 (VCV003034532.2), dbSNP rs77092908, ClinGen allele CA9997947.